The following is an entry in ClinVar:

ClinVar aggregate classification (germline): Uncertain significance (1 of 4 stars; one submission).

gnomAD v4.1: 2 of 1,613,032 alleles (0.00012%); highest among the groups gnomAD compares: Non-Finnish European, 0.00017%; no homozygotes.

Submission:

GeneDx
Classification: Uncertain significance. Last evaluated: 2026-03-10. Review status: criteria provided, single submitter. Criteria: GeneDx Variant Classification Process June 2021. Collection method: clinical testing. Allele origin: germline.
Comment: Not observed at significant frequency in large population cohorts (gnomAD); In silico analysis suggests that this missense variant does not alter protein structure/function; Has not been previously published as pathogenic or benign to our knowledge

NM_001348716.2(KDM6B):c.2109C>A (p.Asp703Glu)

Gene: KDM6B (lysine demethylase 6B; plus strand). Cytogenetic location: 17p13.1.
Variant type: single nucleotide variant.
Coding change: c.2109C>A on transcript NM_001348716.2 (MANE Select); coding-DNA position 2109, C replaced by A.
Protein change: p.Asp703Glu; replaces aspartic acid 703 with glutamic acid.
Molecular consequence: missense variant.
Genome position (GRCh38, 1-based): chr17:7,848,397, C>A. VCF-style: chr17-7848397-C-A. GRCh37 (hg19) VCF-style: chr17-7751715-C-A.
Other names: c.2109C>A, p.Asp703Glu (NM_001080424.2); short protein forms D703E.
Identifiers: ClinVar variation 5008953 (VCV005008953.1).
Genomic context (GRCh38, chr17:7,848,397, plus strand): 5'-GGAGCCAGCCGAATTCAAGATCCTACCTGATGGGCTGGCCAACATCATGAAGATGCTGGA[C>A]GAATCCATTCGCAAGGAAGAGGAACAGCAACAACACGAAGCAGGCGTGGCCCCCCAACCC-3'
Protein context (NP_001335645.1, residues 693-713): DGLANIMKML[Asp703Glu]ESIRKEEEQQ